The following is an entry in ClinVar:

ClinVar aggregate classification (germline): Uncertain significance. Review status: criteria provided, multiple submitters, no conflicts (2 of 4 stars). 2 submissions from 2 submitters: Uncertain significance (2). Last evaluated 2025-11-08.

Conditions:
Early Myoclonic Encephalopathy. Identifiers: MedGen C0270855.

Allele frequency attached by ClinVar (database versions not stated): ExAC 0.00001; TOPMed 0.00002; 1000 Genomes Project 30x 0.00016; 1000 Genomes Project 0.00020; gnomAD exomes 0.00001.
gnomAD v4.1: 20 of 1,603,784 alleles (0.0012%); highest among the groups gnomAD compares: Admixed American, 0.024%; no homozygotes.

Submissions (2):

Ambry Genetics
Classification: Uncertain significance. Last evaluated: 2025-11-08. Review status: criteria provided, single submitter. Criteria: Ambry Variant Classification Scheme 2023. Collection method: clinical testing. Allele origin: germline.

Labcorp Genetics (formerly Invitae), Labcorp
Classification: Uncertain significance for Early Myoclonic Encephalopathy. Last evaluated: 2024-08-07. Review status: criteria provided, single submitter. Criteria: Invitae Variant Classification Sherloc (09022015). Collection method: clinical testing. Allele origin: germline.
Comment: This sequence change replaces arginine, which is basic and polar, with leucine, which is neutral and non-polar, at codon 51 of the JMJD1C protein (p.Arg51Leu). The frequency data for this variant in the population databases is considered unreliable, as metrics indicate poor data quality at this position in the gnomAD database. This variant has not been reported in the literature in individuals affected with JMJD1C-related conditions. ClinVar contains an entry for this variant (Variation ID: 970157). An algorithm developed to predict the effect of missense changes on protein structure and function (PolyPhen-2) suggests that this variant is likely to be tolerated. In summary, the available evidence is currently insufficient to determine the role of this variant in disease. Therefore, it has been classified as a Variant of Uncertain Significance.

NM_032776.3(JMJD1C):c.152G>T (p.Arg51Leu)

Genes: JMJD1C-AS1 (JMJD1C antisense RNA 1; plus strand), JMJD1C (jumonji domain containing 1C; minus strand). Cytogenetic location: 10q21.3.
Variant type: single nucleotide variant.
Coding change: c.152G>T on transcript NM_032776.3 (MANE Select); coding-DNA position 152, G replaced by T.
Protein change: p.Arg51Leu; replaces arginine 51 with leucine.
Molecular consequence: missense variant. On other transcripts: non-coding transcript variant (1), intron variant (2).
Genome position (GRCh38, 1-based): chr10:63,465,511, C>A on the plus strand (G>T on the coding strand, the complement: JMJD1C is on the minus strand). VCF-style: chr10-63465511-C-A. GRCh37 (hg19) VCF-style: chr10-65225271-C-A.
Other names: c.152G>T, p.Arg51Leu (NM_001322252.2); c.-384+56227G>T (NM_001322258.2); c.-379+56227G>T (NM_001318154.2); c.152G>T (NM_032776.1); short protein forms R51L.
Identifiers: ClinVar variation 970157 (VCV000970157.11), dbSNP rs576983326, ClinGen allele CA5519203.